The following is an entry in ClinVar:

NM_001365308.1(BMPER):c.674T>A (p.Leu225Ter)

Gene: BMPER (BMP binding endothelial regulator; plus strand). Cytogenetic location: 7p14.3.
Variant type: single nucleotide variant.
Coding change: c.674T>A on transcript NM_001365308.1 (MANE Select); coding-DNA position 674, T replaced by A.
Protein change: p.Leu225Ter; replaces leucine 225 with a stop codon.
Molecular consequence: nonsense.
Genome position (GRCh38, 1-based): chr7:34,046,403, T>A. VCF-style: chr7-34046403-T-A. GRCh37 (hg19) VCF-style: chr7-34086015-T-A.
Other names: c.674T>A, p.Leu225Ter (NM_001410872.1, NM_133468.5); short protein forms L225*.
Identifiers: ClinVar variation 2086264 (VCV002086264.4), dbSNP rs1485433167, ClinGen allele CA367257400.
Genomic context (GRCh38, chr7:34,046,403, plus strand): 5'-TTCTCTCCTGTCCCCAGCACCTTAGTCACATACCCCCAGGACAGTGCTGCCCCAAATGTT[T>A]GGGTGAGTTACTATTTTCAGGTCAAAGAACAATGTAATTTCTTCTCAAAGTTTCTGCTGG-3'

ClinVar aggregate classification (germline): Pathogenic (1 of 4 stars; one submission).

Submission:

Labcorp Genetics (formerly Invitae), Labcorp
Classification: Pathogenic. Last evaluated: 2025-11-24. Review status: criteria provided, single submitter. Criteria: Invitae Variant Classification Sherloc (09022015). Collection method: clinical testing. Allele origin: germline.
Comment: This sequence change creates a premature translational stop signal (p.Leu225*) in the BMPER gene. It is expected to result in an absent or disrupted protein product. Loss-of-function variants in BMPER are known to be pathogenic (PMID: 20869035, 21990102). This variant is not present in population databases (gnomAD no frequency). This variant has not been reported in the literature in individuals affected with BMPER-related conditions. ClinVar contains an entry for this variant (Variation ID: 2086264). For these reasons, this variant has been classified as Pathogenic.

Literature cited by the submitters: PubMed 20869035; PubMed 21990102.